The following is an entry in ClinVar:

ClinVar aggregate classification (germline): Conflicting classifications of pathogenicity. Review status: criteria provided, conflicting classifications (1 of 4 stars). 4 submissions from 4 submitters: Uncertain significance (3); Likely benign (1). Last evaluated 2025-01-27.

Conditions:
Pontoneocerebellar hypoplasia. Also called: Pontocerebellar hypoplasia; Non-syndromic pontocerebellar hypoplasia. Identifiers: Orphanet 98523, MedGen C1261175, MONDO:0020135.
Pontocerebellar hypoplasia type 2A (PCH2A). Also called: PONTOCEREBELLAR HYPOPLASIA WITH PROGRESSIVE CEREBRAL ATROPHY; VOLENDAM NEURODEGENERATIVE DISEASE. Identifiers: Orphanet 2524, MedGen C1848526, MONDO:0010190, OMIM 277470.
Pontocerebellar hypoplasia type 5 (PCH5). Also called: Pontocerebellar Hypoplasia Type 5 (PCH5). Identifiers: Orphanet 166068, MedGen C1857762, MONDO:0012438, OMIM 610204.
Pontocerebellar hypoplasia type 4 (PCH4). Also called: Pontocerebellar Hypoplasia Type 4 (PCH4). Identifiers: Orphanet 166063, MedGen C1856974, MONDO:0009166, OMIM 225753.

Allele frequency attached by ClinVar (database versions not stated): gnomAD 0.00001 and 0.00002; TOPMed 0.00001; ExAC 0.00004; gnomAD exomes 0.00004 and 0.00006.
gnomAD v4.1: 87 of 1,589,446 alleles (0.0055%); highest among the groups gnomAD compares: East Asian, 0.19%; no homozygotes.

Submissions (4):

Women's Health and Genetics/Laboratory Corporation of America, LabCorp
Classification: Uncertain significance. Last evaluated: 2025-01-27. Review status: criteria provided, single submitter. Criteria: LabCorp Variant Classification Summary - May 2015. Collection method: clinical testing. Allele origin: germline.

3billion
Classification: Likely benign for Pontocerebellar hypoplasia type 4; Pontocerebellar hypoplasia type 5; Pontocerebellar hypoplasia type 2A. Last evaluated: 2024-09-20. Review status: criteria provided, single submitter. Criteria: ACMG Guidelines, 2015. Collection method: clinical testing. Allele origin: germline. Affected: no.
Comment: The homozygous variant was found in patients diagnosed with another variant in a different gene, with no symptoms related to the gene containing the homozygous variant.

Illumina Laboratory Services, Illumina
Classification: Uncertain significance for Pontoneocerebellar hypoplasia. Last evaluated: 2018-01-15. Review status: criteria provided, single submitter. Criteria: ICSL Variant Classification Criteria 13 December 2019. Collection method: clinical testing. Allele origin: germline.

Juno Genomics, Hangzhou Juno Genomics, Inc
Classification: Uncertain significance for Pontocerebellar hypoplasia type 5; Pontocerebellar hypoplasia type 2A; Pontocerebellar hypoplasia type 4. Review status: criteria provided, single submitter. Criteria: ACMG Guidelines, 2015. Collection method: clinical testing. Allele origin: germline.
Comment: Absent from controls (or at extremely low frequency if recessive) in Genome Aggregation Database.;Multiple lines of computational evidence support a deleterious effect on the gene or gene product.

NM_207346.3(TSEN54):c.369+5G>A

Gene: TSEN54 (tRNA splicing endonuclease subunit 54; plus strand). Cytogenetic location: 17q25.1.
Variant type: single nucleotide variant.
Coding change: c.369+5G>A on transcript NM_207346.3 (MANE Select); 5 bases into the intron after coding-DNA position 369, G replaced by A.
Molecular consequence: intron variant.
Genome position (GRCh38, 1-based): chr17:75,517,249, G>A. VCF-style: chr17-75517249-G-A. GRCh37 (hg19) VCF-style: chr17-73513330-G-A.
Identifiers: ClinVar variation 889594 (VCV000889594.9), dbSNP rs756343304, ClinGen allele CA8764071.